The following is an entry in ClinVar:

ClinVar aggregate classification (germline): Uncertain significance (1 of 4 stars; one submission).

Conditions:
Familial thoracic aortic aneurysm and aortic dissection (TAAD). Also called: Thoracic aortic aneurysms and dissections. Identifiers: Orphanet 91387, MedGen C4707243, MONDO:0019625.

Submission:

Ambry Genetics
Classification: Uncertain significance for Familial thoracic aortic aneurysm and aortic dissection. Last evaluated: 2023-09-08. Review status: criteria provided, single submitter. Criteria: Ambry Variant Classification Scheme 2023. Collection method: clinical testing. Allele origin: germline.
Comment: The p.Q216E variant (also known as c.646C>G), located in coding exon 5 of the MYLK gene, results from a C to G substitution at nucleotide position 646. The glutamine at codon 216 is replaced by glutamic acid, an amino acid with highly similar properties. This amino acid position is conserved. In addition, this alteration is predicted to be tolerated by in silico analysis. Since supporting evidence is limited at this time, the clinical significance of this alteration remains unclear.

NM_053025.4(MYLK):c.646C>G (p.Gln216Glu)

Gene: MYLK (myosin light chain kinase; minus strand). Cytogenetic location: 3q21.1.
Variant type: single nucleotide variant.
Coding change: c.646C>G on transcript NM_053025.4 (MANE Select); coding-DNA position 646, C replaced by G.
Protein change: p.Gln216Glu; replaces glutamine 216 with glutamic acid.
Molecular consequence: missense variant.
Genome position (GRCh38, 1-based): chr3:123,737,486, G>C on the plus strand (C>G on the coding strand, the complement: MYLK is on the minus strand). VCF-style: chr3-123737486-G-C. GRCh37 (hg19) VCF-style: chr3-123456333-G-C.
Other names: c.118C>G, p.Gln40Glu (NM_001321309.2); c.646C>G, p.Gln216Glu (NM_053026.4, NM_053027.4, NM_053028.4); short protein forms Q216E, Q40E.
Identifiers: ClinVar variation 2587201 (VCV002587201.2), dbSNP rs2474607141, ClinGen allele CA354240879.